The following is an entry in ClinVar:

ClinVar aggregate classification (germline): Benign/Likely benign. Review status: criteria provided, multiple submitters, no conflicts (2 of 4 stars). 3 submissions from 3 submitters: Benign (1); Likely benign (2). Last evaluated 2026-07-01.

Allele frequency attached by ClinVar (database versions not stated): 1000 Genomes Project 30x 0.00031; ESP Exome Variant Server 0.00039; 1000 Genomes Project 0.00040; ExAC 0.00054; gnomAD exomes 0.00069; gnomAD 0.00096 and 0.00100; TOPMed 0.00124.
gnomAD v4.1: 1,321 of 1,612,640 alleles (0.082%); highest among the groups gnomAD compares: Admixed American, 0.3%; no homozygotes.

Submissions (3):

CeGaT Center for Human Genetics Tuebingen
Classification: Likely benign. Last evaluated: 2026-07-01. Review status: criteria provided, single submitter. Criteria: CeGaT Center For Human Genetics Tuebingen Variant Classification Criteria Version 2. Collection method: clinical testing. Allele origin: germline. Affected: yes. Observed: 7 variant alleles.
Comment: SPTBN2: BP4, BP7

Labcorp Genetics (formerly Invitae), Labcorp
Classification: Benign. Last evaluated: 2025-07-29. Review status: criteria provided, single submitter. Criteria: Invitae Variant Classification Sherloc (09022015). Collection method: clinical testing. Allele origin: germline.

Blueprint Genetics
Classification: Likely benign. Last evaluated: 2024-11-04. Review status: criteria provided, single submitter. Criteria: ACMG Guidelines, 2015. Collection method: clinical testing. Allele origin: germline.

NM_006946.4(SPTBN2):c.1722G>A (p.Glu574=)

Gene: SPTBN2 (spectrin beta, non-erythrocytic 2; minus strand). Cytogenetic location: 11q13.2.
Variant type: single nucleotide variant.
Coding change: c.1722G>A on transcript NM_006946.4 (MANE Select); coding-DNA position 1722, G replaced by A.
Protein change: p.Glu574=; no amino-acid change (glutamic acid 574 retained).
Molecular consequence: synonymous variant.
Genome position (GRCh38, 1-based): chr11:66,705,769, C>T on the plus strand (G>A on the coding strand, the complement: SPTBN2 is on the minus strand). VCF-style: chr11-66705769-C-T. GRCh37 (hg19) VCF-style: chr11-66473240-C-T.
Identifiers: ClinVar variation 305582 (VCV000305582.55), dbSNP rs143083152, ClinGen allele CA6129287.